The following is an entry in ClinVar:

ClinVar aggregate classification (germline): Pathogenic (1 of 4 stars; one submission).

Conditions:
Fanconi anemia (FA). Also called: Fanconi's anemia. Identifiers: Orphanet 84, MedGen C0015625, MeSH D005199, MONDO:0019391.

Submission:

Labcorp Genetics (formerly Invitae), Labcorp
Classification: Pathogenic for Fanconi anemia. Last evaluated: 2023-11-04. Review status: criteria provided, single submitter. Criteria: Invitae Variant Classification Sherloc (09022015). Collection method: clinical testing. Allele origin: unknown.
Comment: This variant is a gross deletion of the genomic region encompassing exon(s) 2-3 of the FANCC gene, which includes the initiator codon. This deletion extends beyond the assayed region for this gene and therefore may encompass additional genes. It is expected to result in an absent or disrupted protein product. Loss-of-function variants in FANCC are known to be pathogenic (PMID: 17924555). A similar copy number variant has been observed in individual(s) with Fanconi Anemia (PMID: 20869034). In at least one individual the data is consistent with being in trans (on the opposite chromosome) from a pathogenic variant. It has also been observed to segregate with disease in related individuals. For these reasons, this variant has been classified as Pathogenic.

Literature cited by the submitters: PubMed 17924555; PubMed 20869034.

NC_000009.11:g.(?_98009694)_(98011661_?)del

Gene: FANCC (FA complementation group C; minus strand). Cytogenetic location: 9q22.32.
Variant type: Deletion.
Identifiers: ClinVar variation 3245063 (VCV003245063.1).